The following is an entry in ClinVar:

ClinVar aggregate classification (germline): Uncertain significance (1 of 4 stars; one submission).

Conditions:
Inborn genetic diseases. Identifiers: MedGen C0950123, MeSH D030342.

Submission:

Ambry Genetics
Classification: Uncertain significance for Inborn genetic diseases. Last evaluated: 2026-05-14. Review status: criteria provided, single submitter. Criteria: Ambry Variant Classification Scheme 2023. Collection method: clinical testing. Allele origin: germline.
Comment: The p.L297V variant (also known as c.889C>G), located in coding exon 6 of the G6PC3 gene, results from a C to G substitution at nucleotide position 889. The leucine at codon 297 is replaced by valine, an amino acid with highly similar properties. This amino acid position is conserved. In addition, this alteration is predicted to be tolerated by in silico analysis. Based on the available evidence, the clinical significance of this variant remains unclear.

NM_138387.4(G6PC3):c.889C>G (p.Leu297Val)

Gene: G6PC3 (glucose-6-phosphatase catalytic subunit 3; plus strand). Cytogenetic location: 17q21.31.
Variant type: single nucleotide variant.
Coding change: c.889C>G on transcript NM_138387.4 (MANE Select); coding-DNA position 889, C replaced by G.
Protein change: p.Leu297Val; replaces leucine 297 with valine.
Molecular consequence: missense variant. On other transcripts: 3 prime UTR variant (1).
Genome position (GRCh38, 1-based): chr17:44,075,891, C>G. VCF-style: chr17-44075891-C-G. GRCh37 (hg19) VCF-style: chr17-42153259-C-G.
Other names: c.*182C>G (NM_001319945.2); c.544C>G, p.Leu182Val (NM_001384165.1, NM_001384166.1, NM_001384167.1 and 1 more transcripts); short protein forms L182V, L297V.
Identifiers: ClinVar variation 4871598 (VCV004871598.1).